The following is an entry in ClinVar:

NM_002907.4(RECQL):c.792T>A (p.Asp264Glu)

Gene: RECQL (RecQ like helicase; minus strand). Cytogenetic location: 12p12.1.
Variant type: single nucleotide variant.
Coding change: c.792T>A on transcript NM_002907.4 (MANE Select); coding-DNA position 792, T replaced by A.
Protein change: p.Asp264Glu; replaces aspartic acid 264 with glutamic acid.
Molecular consequence: missense variant.
Genome position (GRCh38, 1-based): chr12:21,477,878, A>T on the plus strand (T>A on the coding strand, the complement: RECQL is on the minus strand). VCF-style: chr12-21477878-A-T. GRCh37 (hg19) VCF-style: chr12-21630812-A-T.
Other names: c.792T>A, p.Asp264Glu (NM_032941.3); short protein forms D264E.
Identifiers: ClinVar variation 1326671 (VCV001326671.6), dbSNP rs1050592994, ClinGen allele CA233571082.

ClinVar aggregate classification (germline): Uncertain significance. Review status: criteria provided, multiple submitters, no conflicts (2 of 4 stars). 3 submissions from 3 submitters: Uncertain significance (3). Last evaluated 2025-07-15.

Conditions:
RECON progeroid syndrome (RECON). Identifiers: MedGen C5830504, MONDO:0957266, OMIM 620370.

Allele frequency attached by ClinVar (database versions not stated): TOPMed 0.00002.
gnomAD v4.1: 1 of 1,614,076 alleles (0.000062%); highest among the groups gnomAD compares: Admixed American, 0.0017%; no homozygotes.

Submissions (3):

Ambry Genetics
Classification: Uncertain significance. Last evaluated: 2025-07-15. Review status: criteria provided, single submitter. Criteria: Ambry Variant Classification Scheme 2023. Collection method: clinical testing. Allele origin: germline.
Comment: The p.D264E variant (also known as c.792T>A), located in coding exon 6 of the RECQL gene, results from a T to A substitution at nucleotide position 792. The aspartic acid at codon 264 is replaced by glutamic acid, an amino acid with highly similar properties. This amino acid position is conserved. In addition, the in silico prediction for this alteration is inconclusive. Since supporting evidence is limited at this time, the clinical significance of this alteration remains unclear.

Fulgent Genetics
Classification: Uncertain significance for RECON progeroid syndrome. Last evaluated: 2024-05-23. Review status: criteria provided, single submitter. Criteria: ACMG Guidelines, 2015. Collection method: clinical testing. Allele origin: germline.

GeneDx
Classification: Uncertain significance. Last evaluated: 2021-05-24. Review status: criteria provided, single submitter. Criteria: GeneDx Variant Classification Process June 2021. Collection method: clinical testing. Allele origin: germline. Affected: yes.
Comment: Not observed at a significant frequency in large population cohorts (Lek 2016); In silico analysis supports that this missense variant has a deleterious effect on protein structure/function; Has not been previously published as pathogenic or benign to our knowledge